The following is an entry in ClinVar:

ClinVar aggregate classification (germline): Uncertain significance. Review status: criteria provided, multiple submitters, no conflicts (2 of 4 stars). 2 submissions from 2 submitters: Uncertain significance (2). Last evaluated 2020-11-06.

Conditions:
Hypertrophic cardiomyopathy. Also called: HYPERTROPHIC MYOCARDIOPATHY. Identifiers: Orphanet 217569, MedGen C0007194, MeSH D002312, MONDO:0005045, HP:0001639.
Cardiovascular phenotype. Identifiers: MedGen CN230736.

Allele frequency attached by ClinVar (database versions not stated): TOPMed below 0.00001; gnomAD 0.00001; gnomAD exomes 0.00001.
gnomAD v4.1: 8 of 1,613,798 alleles (0.0005%); highest among the groups gnomAD compares: Non-Finnish European, 0.00068%; no homozygotes.

Submissions (2):

Labcorp Genetics (formerly Invitae), Labcorp
Classification: Uncertain significance for Hypertrophic cardiomyopathy. Last evaluated: 2020-11-06. Review status: criteria provided, single submitter. Criteria: Invitae Variant Classification Sherloc (09022015). Collection method: clinical testing. Allele origin: germline.
Comment: This variant is not present in population databases (ExAC no frequency). In summary, the available evidence is currently insufficient to determine the role of this variant in disease. Therefore, it has been classified as a Variant of Uncertain Significance. Algorithms developed to predict the effect of missense changes on protein structure and function output the following: SIFT: "Tolerated"; PolyPhen-2: "Benign"; Align-GVGD: "Class C0". The asparagine amino acid residue is found in multiple mammalian species, suggesting that this missense change does not adversely affect protein function. These predictions have not been confirmed by published functional studies and their clinical significance is uncertain. This variant has not been reported in the literature in individuals with JPH2-related conditions. This sequence change replaces serine with asparagine at codon 101 of the JPH2 protein (p.Ser101Asn). The serine residue is weakly conserved and there is a small physicochemical difference between serine and asparagine.

Ambry Genetics
Classification: Uncertain significance for Cardiovascular phenotype. Last evaluated: 2020-08-10. Review status: criteria provided, single submitter. Criteria: Ambry Variant Classification Scheme 2023. Collection method: clinical testing. Allele origin: germline.
Comment: The p.S101N variant (also known as c.302G>A), located in coding exon 1 of the JPH2 gene, results from a G to A substitution at nucleotide position 302. The serine at codon 101 is replaced by asparagine, an amino acid with highly similar properties. A different variant affecting this codon (p.S101R, c.301A>C) has been reported in association with hypertrophic cardiomyopathy (Landstrom AP et al. J. Mol. Cell. Cardiol., 2007 Jun;42:1026-35). This amino acid position is not well conserved in available vertebrate species, and asparagine is the reference amino acid in other vertebrate species. In addition, this alteration is predicted to be tolerated by in silico analysis. Since supporting evidence is limited at this time, the clinical significance of this alteration remains unclear.

Literature cited by the submitters: PubMed 17509612 (cited by Ambry Genetics).

NM_020433.5(JPH2):c.302G>A (p.Ser101Asn)

Gene: JPH2 (junctophilin 2; minus strand). Cytogenetic location: 20q13.12.
Variant type: single nucleotide variant.
Coding change: c.302G>A on transcript NM_020433.5 (MANE Select); coding-DNA position 302, G replaced by A.
Protein change: p.Ser101Asn; replaces serine 101 with asparagine.
Molecular consequence: missense variant.
Genome position (GRCh38, 1-based): chr20:44,186,404, C>T on the plus strand (G>A on the coding strand, the complement: JPH2 is on the minus strand). VCF-style: chr20-44186404-C-T. GRCh37 (hg19) VCF-style: chr20-42815044-C-T.
Other names: c.302G>A, p.Ser101Asn (NM_175913.4); short protein forms S101N.
Identifiers: ClinVar variation 1499218 (VCV001499218.10), dbSNP rs1281048375, ClinGen allele CA409095092.